The following is an entry in ClinVar:

ClinVar aggregate classification (germline): Benign. Review status: criteria provided, multiple submitters, no conflicts (2 of 4 stars). 3 submissions from 3 submitters: Benign (3). Last evaluated 2026-02-01.

Conditions:
Osteogenesis imperfecta type 13. Also called: Osteogenesis imperfecta, type xiii; OI, TYPE XIII. Identifiers: Orphanet 666, MedGen C3553887, MONDO:0013924, OMIM 614856.

Allele frequency attached by ClinVar (database versions not stated): gnomAD exomes 0.00370 and 0.00379; ExAC 0.00395; 1000 Genomes Project 30x 0.00531; 1000 Genomes Project 0.00539; gnomAD 0.00700 and 0.00746; TOPMed 0.00735; ESP Exome Variant Server 0.00869.
gnomAD v4.1: 6,564 of 1,610,678 alleles (0.41%); highest among the groups gnomAD compares: African/African-American, 1.7%; 29 homozygotes.

Submissions (13):

Labcorp Genetics (formerly Invitae), Labcorp
Classification: Benign. Last evaluated: 2026-02-01. Review status: criteria provided, single submitter. Criteria: Invitae Variant Classification Sherloc (09022015). Collection method: clinical testing. Allele origin: germline.

Illumina Laboratory Services, Illumina
Classification: Benign for Osteogenesis imperfecta type 13. Last evaluated: 2017-04-27. Review status: criteria provided, single submitter. Criteria: ICSL Variant Classification Criteria 13 December 2019. Collection method: clinical testing. Allele origin: germline.
Comment: This variant was observed as part of a predisposition screen in an ostensibly healthy population. A literature search was performed for the gene, cDNA change, and amino acid change (where applicable). No publications were found based on this search. Allele frequency data from public databases was too high to be consistent with this variant causing disease. Therefore, this variant is classified as benign.

Breakthrough Genomics
Classification: Benign. Review status: criteria provided, single submitter. Criteria: ACMG Guidelines, 2015. Collection method: not provided. Allele origin: germline. Inheritance: Autosomal recessive inheritance. Affected: yes.

Dr. Peter K. Rogan Lab, Western University
No classification provided (evidence only). Condition: Lung cancer. Review status: no classification provided. Collection method: in vitro. Allele origin: not applicable. Functional consequence: retained intron. Not counted in ClinVar's aggregate classification.

Dr. Peter K. Rogan Lab, Western University
No classification provided (evidence only). Condition: Familial cancer of breast. Review status: no classification provided. Collection method: in vitro. Allele origin: not applicable. Functional consequence: retained intron. Not counted in ClinVar's aggregate classification.

Dr. Peter K. Rogan Lab, Western University
No classification provided (evidence only). Condition: Acute myeloid leukemia. Review status: no classification provided. Collection method: in vitro. Allele origin: not applicable. Functional consequence: retained intron. Not counted in ClinVar's aggregate classification.

Dr. Peter K. Rogan Lab, Western University
No classification provided (evidence only). Condition: Uterine corpus endometrial carcinoma. Review status: no classification provided. Collection method: in vitro. Allele origin: not applicable. Functional consequence: retained intron. Not counted in ClinVar's aggregate classification.

Dr. Peter K. Rogan Lab, Western University
No classification provided (evidence only). Condition: Cervical cancer. Review status: no classification provided. Collection method: in vitro. Allele origin: not applicable. Functional consequence: retained intron. Not counted in ClinVar's aggregate classification.

Dr. Peter K. Rogan Lab, Western University
No classification provided (evidence only). Condition: Cervical cancer. Review status: no classification provided. Collection method: in vitro. Allele origin: not applicable. Functional consequence: retained intron. Not counted in ClinVar's aggregate classification.

Dr. Peter K. Rogan Lab, Western University
No classification provided (evidence only). Condition: Cervical cancer. Review status: no classification provided. Collection method: in vitro. Allele origin: not applicable. Functional consequence: retained intron. Not counted in ClinVar's aggregate classification.

Dr. Peter K. Rogan Lab, Western University
No classification provided (evidence only). Condition: Gastric cancer. Review status: no classification provided. Collection method: in vitro. Allele origin: not applicable. Functional consequence: retained intron. Not counted in ClinVar's aggregate classification.

Dr. Peter K. Rogan Lab, Western University
No classification provided (evidence only). Condition: Uveal melanoma. Review status: no classification provided. Collection method: in vitro. Allele origin: not applicable. Functional consequence: skipped exon. Not counted in ClinVar's aggregate classification.

Dr. Peter K. Rogan Lab, Western University
No classification provided (evidence only). Condition: Malignant tumor of esophagus. Review status: no classification provided. Collection method: in vitro. Allele origin: not applicable. Functional consequence: retained intron. Not counted in ClinVar's aggregate classification.

NM_006129.5(BMP1):c.1297+14C>T

Gene: BMP1 (bone morphogenetic protein 1; plus strand). Cytogenetic location: 8p21.3.
Variant type: single nucleotide variant.
Coding change: c.1297+14C>T on transcript NM_006129.5 (MANE Select); 14 bases into the intron after coding-DNA position 1297, C replaced by T.
Molecular consequence: intron variant.
Genome position (GRCh38, 1-based): chr8:22,194,188, C>T. VCF-style: chr8-22194188-C-T. GRCh37 (hg19) VCF-style: chr8-22051701-C-T.
Other names: c.1297+14C>T (NM_001199.4).
Identifiers: ClinVar variation 908568 (VCV000908568.13), dbSNP rs151163052, ClinGen allele CA4664621.
Genomic context (GRCh38, chr8:22,194,188, plus strand): 5'-CAGCAGCAGCAATTGGGTTGGAAAGGGCTTCTTTGCAGTCTACGAAGGTACTGAGGAAGG[C>T]GGCGGGCGGGAGGAGTCAGATAGGAGGTCTCTGGGCATGGTAAAACAACTCCCTCCTGGC-3'